The following is an entry in ClinVar:

ClinVar aggregate classification (germline): Uncertain significance. Review status: criteria provided, multiple submitters, no conflicts (2 of 4 stars). 2 submissions from 2 submitters: Uncertain significance (2). Last evaluated 2026-04-10.

Conditions:
Hereditary cancer-predisposing syndrome. Also called: Neoplastic Syndromes, Hereditary; Tumor predisposition; Hereditary Cancer Syndrome; Hereditary neoplastic syndrome. Identifiers: Orphanet 140162, MedGen C0027672, MeSH D009386, MONDO:0015356.
Multiple endocrine neoplasia type 4. Also called: MULTIPLE ENDOCRINE NEOPLASIA, TYPE IV. Identifiers: Orphanet 276152, MedGen C1970712, MONDO:0012552, OMIM 610755.

Allele frequency attached by ClinVar (database versions not stated): gnomAD exomes below 0.00001.

Submissions (2):

Ambry Genetics
Classification: Uncertain significance for Hereditary cancer-predisposing syndrome. Last evaluated: 2026-04-10. Review status: criteria provided, single submitter. Criteria: Ambry Variant Classification Scheme 2023. Collection method: clinical testing. Allele origin: germline.
Comment: The p.A181V variant (also known as c.542C>T), located in coding exon 2 of the CDKN1B gene, results from a C to T substitution at nucleotide position 542. The alanine at codon 181 is replaced by valine, an amino acid with similar properties. This amino acid position is conserved. In addition, this alteration is predicted to be tolerated by in silico analysis. Based on the available evidence, the clinical significance of this variant remains unclear.

Baylor Genetics
Classification: Uncertain significance for Multiple endocrine neoplasia type 4. Last evaluated: 2024-02-13. Review status: criteria provided, single submitter. Criteria: ACMG Guidelines, 2015. Collection method: clinical testing. Allele origin: unknown.

NM_004064.5(CDKN1B):c.542C>T (p.Ala181Val)

Gene: CDKN1B (cyclin dependent kinase inhibitor 1B; plus strand). Cytogenetic location: 12p13.1.
Variant type: single nucleotide variant.
Coding change: c.542C>T on transcript NM_004064.5 (MANE Select); coding-DNA position 542, C replaced by T.
Protein change: p.Ala181Val; replaces alanine 181 with valine.
Molecular consequence: missense variant.
Genome position (GRCh38, 1-based): chr12:12,718,891, C>T. VCF-style: chr12-12718891-C-T. GRCh37 (hg19) VCF-style: chr12-12871825-C-T.
Other names: c.542C>T (NM_004064.3); short protein forms A181V.
Identifiers: ClinVar variation 3241063 (VCV003241063.2), dbSNP rs1457880196.